The following is an entry in ClinVar:

NM_024426.6(WT1):c.1093G>C (p.Gly365Arg)

Gene: WT1 (WT1 transcription factor; minus strand). Cytogenetic location: 11p13.
Variant type: single nucleotide variant.
Coding change: c.1093G>C on transcript NM_024426.6 (MANE Select); coding-DNA position 1093, G replaced by C.
Protein change: p.Gly365Arg; replaces glycine 365 with arginine.
Molecular consequence: missense variant. On other transcripts: 5 prime UTR variant (1), non-coding transcript variant (2).
Genome position (GRCh38, 1-based): chr11:32,399,968, C>G on the plus strand (G>C on the coding strand, the complement: WT1 is on the minus strand). VCF-style: chr11-32399968-C-G. GRCh37 (hg19) VCF-style: chr11-32421514-C-G.
Other names: c.1078G>C (NM_024426.4); c.1042G>C, p.Gly348Arg (NM_000378.6, NM_001407045.1, NM_001407048.1 and 1 more transcripts); c.442G>C, p.Gly148Arg (NM_001198551.2); c.391G>C, p.Gly131Arg (NM_001198552.2); c.-96G>C (NM_001367854.1); c.1087G>C, p.Gly363Arg (NM_001407044.1); c.1093G>C, p.Gly365Arg (NM_001407046.1, NM_024424.5); c.970G>C, p.Gly324Arg (NM_001407047.1); and 3 more; short protein forms G343R, G365R, G131R, G363R, G111R, G148R, G307R, G324R.
Identifiers: ClinVar variation 2923287 (VCV002923287.4), dbSNP rs1564975631, ClinGen allele CA379960286.

ClinVar aggregate classification (germline): Uncertain significance. Review status: criteria provided, multiple submitters, no conflicts (2 of 4 stars). 2 submissions from 2 submitters: Uncertain significance (2). Last evaluated 2025-12-21.

Conditions:
Wilms tumor 1 (WT1). Also called: Wilms tumor, somatic. Identifiers: Orphanet 654, MedGen CN033288, MONDO:0008679, OMIM 194070.
Drash syndrome (DDS). Also called: NEPHROPATHY, WILMS TUMOR, AND GENITAL ANOMALIES; WILMS TUMOR AND PSEUDO- OR TRUE HERMAPHRODITISM. Identifiers: Orphanet 220, MedGen C0950121, MONDO:0008682, OMIM 194080.
Frasier syndrome. Identifiers: Orphanet 347, MedGen C0950122, MeSH D052159, MONDO:0007635, OMIM 136680.
11p partial monosomy syndrome (WAGR). Also called: CHROMOSOME 11p13 DELETION SYNDROME; WAGR Spectrum Disorder; WAGR syndrome; WAGR Complex. Identifiers: Orphanet 893, MedGen C0206115, MONDO:0008681, OMIM 194072.
Inborn genetic diseases. Identifiers: MedGen C0950123, MeSH D030342.

gnomAD v4.1: 5 of 1,614,162 alleles (0.00031%); highest among the groups gnomAD compares: East Asian, 0.011%; no homozygotes.

Submissions (2):

Labcorp Genetics (formerly Invitae), Labcorp
Classification: Uncertain significance for Wilms tumor 1; Drash syndrome; 11p partial monosomy syndrome; Frasier syndrome. Last evaluated: 2025-12-21. Review status: criteria provided, single submitter. Criteria: Invitae Variant Classification Sherloc (09022015). Collection method: clinical testing. Allele origin: germline.
Comment: This sequence change replaces glycine, which is neutral and non-polar, with arginine, which is basic and polar, at codon 360 of the WT1 protein (p.Gly360Arg). This variant is not present in population databases (gnomAD no frequency). This variant has not been reported in the literature in individuals affected with WT1-related conditions. ClinVar contains an entry for this variant (Variation ID: 2923287). Invitae Evidence Modeling of protein sequence and biophysical properties (such as structural, functional, and spatial information, amino acid conservation, physicochemical variation, residue mobility, and thermodynamic stability) indicates that this missense variant is expected to disrupt WT1 protein function with a positive predictive value of 80%. In summary, the available evidence is currently insufficient to determine the role of this variant in disease. Therefore, it has been classified as a Variant of Uncertain Significance.

Ambry Genetics
Classification: Uncertain significance for Inborn genetic diseases. Last evaluated: 2025-05-09. Review status: criteria provided, single submitter. Criteria: Ambry Variant Classification Scheme 2023. Collection method: clinical testing. Allele origin: germline.
Comment: The p.G360R variant (also known as c.1078G>C), located in coding exon 6 of the WT1 gene, results from a G to C substitution at nucleotide position 1078. The glycine at codon 360 is replaced by arginine, an amino acid with dissimilar properties. This amino acid position is conserved. In addition, this alteration is predicted to be deleterious by in silico analysis. Based on the available evidence, the clinical significance of this variant remains unclear.